The following is an entry in ClinVar:

ClinVar aggregate classification (germline): Uncertain significance (1 of 4 stars; one submission).

Conditions:
Congenital hyperammonemia, type I. Also called: Carbamoyl-phosphate synthase I deficiency; CPS I DEFICIENCY; Carbamoyl phosphate synthetase 1 deficiency; Hyperammonemia due to carbamoyl phosphate synthetase 1 deficiency; CPS 1 deficiency; Carbamyl phosphate synthetase (CPS) deficiency. Identifiers: Orphanet 147, MedGen C4082171, MONDO:0009376, OMIM 237300.

Allele frequency attached by ClinVar (database versions not stated): TOPMed below 0.00001; gnomAD 0.00001.
gnomAD v4.1: 1 of 1,612,796 alleles (0.000062%); highest among the groups gnomAD compares: Non-Finnish European, 0.000085%; no homozygotes.

Submission:

Labcorp Genetics (formerly Invitae), Labcorp
Classification: Uncertain significance for Congenital hyperammonemia, type I. Last evaluated: 2024-09-05. Review status: criteria provided, single submitter. Criteria: Invitae Variant Classification Sherloc (09022015). Collection method: clinical testing. Allele origin: germline.
Comment: This sequence change replaces methionine, which is neutral and non-polar, with isoleucine, which is neutral and non-polar, at codon 254 of the CPS1 protein (p.Met254Ile). This variant is not present in population databases (gnomAD no frequency). This variant has not been reported in the literature in individuals affected with CPS1-related conditions. Invitae Evidence Modeling of protein sequence and biophysical properties (such as structural, functional, and spatial information, amino acid conservation, physicochemical variation, residue mobility, and thermodynamic stability) indicates that this missense variant is not expected to disrupt CPS1 protein function with a negative predictive value of 95%. In summary, the available evidence is currently insufficient to determine the role of this variant in disease. Therefore, it has been classified as a Variant of Uncertain Significance.

NM_001875.5(CPS1):c.762G>A (p.Met254Ile)

Gene: CPS1 (carbamoyl-phosphate synthase 1; plus strand). Cytogenetic location: 2q34.
Variant type: single nucleotide variant.
Coding change: c.762G>A on transcript NM_001875.5 (MANE Select); coding-DNA position 762, G replaced by A.
Protein change: p.Met254Ile; replaces methionine 254 with isoleucine.
Molecular consequence: missense variant. On other transcripts: non-coding transcript variant (1).
Genome position (GRCh38, 1-based): chr2:210,590,156, G>A. VCF-style: chr2-210590156-G-A. GRCh37 (hg19) VCF-style: chr2-211454880-G-A.
Other names: c.762G>A, p.Met254Ile (NM_001122633.3, NM_001369257.1); c.795G>A, p.Met265Ile (NM_001369256.1); short protein forms M254I, M265I.
Identifiers: ClinVar variation 2917918 (VCV002917918.3), dbSNP rs1439790122, ClinGen allele CA350429680.